The following is an entry in ClinVar:

ClinVar aggregate classification (germline): Uncertain significance. Review status: criteria provided, single submitter (1 of 4 stars). 2 submissions from 2 submitters: Uncertain significance (1). 1 of the submissions does not count toward it. Last evaluated 2024-02-17.

Conditions:
DSG1-related disorder. Also called: DSG1-related condition.

gnomAD v4.1: 2 of 1,613,920 alleles (0.00012%); highest among the groups gnomAD compares: African/African-American, 0.0013%; no homozygotes.

Submissions (2):

Labcorp Genetics (formerly Invitae), Labcorp
Classification: Uncertain significance. Last evaluated: 2024-02-17. Review status: criteria provided, single submitter. Criteria: Invitae Variant Classification Sherloc (09022015). Collection method: clinical testing. Allele origin: germline.
Comment: This sequence change replaces arginine, which is basic and polar, with lysine, which is basic and polar, at codon 422 of the DSG1 protein (p.Arg422Lys). This variant also falls at the last nucleotide of exon 9, which is part of the consensus splice site for this exon. This variant is not present in population databases (gnomAD no frequency). This variant has not been reported in the literature in individuals affected with DSG1-related conditions. An algorithm developed to predict the effect of missense changes on protein structure and function (PolyPhen-2) suggests that this variant is likely to be tolerated. Variants that disrupt the consensus splice site are a relatively common cause of aberrant splicing (PMID: 17576681, 9536098). Algorithms developed to predict the effect of sequence changes on RNA splicing suggest that this variant may disrupt the consensus splice site. In summary, the available evidence is currently insufficient to determine the role of this variant in disease. Therefore, it has been classified as a Variant of Uncertain Significance.

PreventionGenetics, part of Exact Sciences
Classification: Uncertain significance for DSG1-related condition. Last evaluated: 2024-07-12. Review status: no assertion criteria provided. Collection method: clinical testing. Allele origin: germline. Not counted in ClinVar's aggregate classification.
Comment: The DSG1 c.1265G>A variant is predicted to result in the amino acid substitution p.Arg422Lys. To our knowledge, this variant has not been reported in the literature or in a large population database, indicating this variant is rare. At this time, the clinical significance of this variant is uncertain due to the absence of conclusive functional and genetic evidence.

Literature cited by the submitters: PubMed 17576681 (cited by Labcorp Genetics (formerly Invitae), Labcorp); PubMed 9536098 (cited by Labcorp Genetics (formerly Invitae), Labcorp).

NM_001942.4(DSG1):c.1265G>A (p.Arg422Lys)

Gene: DSG1 (desmoglein 1; plus strand). Cytogenetic location: 18q12.1.
Variant type: single nucleotide variant.
Coding change: c.1265G>A on transcript NM_001942.4 (MANE Select); coding-DNA position 1265, G replaced by A.
Protein change: p.Arg422Lys; replaces arginine 422 with lysine.
Molecular consequence: missense variant.
Genome position (GRCh38, 1-based): chr18:31,336,613, G>A. VCF-style: chr18-31336613-G-A. GRCh37 (hg19) VCF-style: chr18-28916576-G-A.
Other names: short protein forms R422K.
Identifiers: ClinVar variation 3352304 (VCV003352304.3).